The following is an entry in ClinVar:

NM_025219.3(DNAJC5):c.*2711G>A

Gene: DNAJC5 (DnaJ heat shock protein family (Hsp40) member C5; plus strand). Cytogenetic location: 20q13.33.
Variant type: single nucleotide variant.
Coding change: c.*2711G>A on transcript NM_025219.3 (MANE Select); 2711 bases downstream of the stop codon, G replaced by A.
Molecular consequence: 3 prime UTR variant.
Genome position (GRCh38, 1-based): chr20:63,934,279, G>A. VCF-style: chr20-63934279-G-A. GRCh37 (hg19) VCF-style: chr20-62565632-G-A.
Identifiers: ClinVar variation 339409 (VCV000339409.9), dbSNP rs76291580, ClinGen allele CA10653407.

ClinVar aggregate classification (germline): Benign/Likely benign. Review status: criteria provided, multiple submitters, no conflicts (2 of 4 stars). 3 submissions from 3 submitters: Benign (2); Likely benign (1). Last evaluated 2021-05-12.

Conditions:
Ceroid lipofuscinosis, neuronal, 4 (Kufs type) (CLN4). Also called: Neuronal ceroid lipofuscinosis 4B; Ceroid lipofuscinosis, neuronal, 4, Parry type. Identifiers: Orphanet 228343, Orphanet 79262, MedGen C1834207, MONDO:0008083, OMIM 162350.

Allele frequency attached by ClinVar (database versions not stated): 1000 Genomes Project 0.05072; 1000 Genomes Project 30x 0.05325; TOPMed 0.06968; gnomAD 0.08011 and 0.08294; gnomAD exomes 0.27778.
gnomAD v4.1: 12,155 of 152,288 alleles (8%); highest among the groups gnomAD compares: African/African-American, 8.7%; 585 homozygotes.

Submissions (3):

GeneDx
Classification: Benign. Last evaluated: 2021-05-12. Review status: criteria provided, single submitter. Criteria: GeneDx Variant Classification Process June 2021. Collection method: clinical testing. Allele origin: germline. Affected: yes.

Illumina Laboratory Services, Illumina
Classification: Benign for Ceroid lipofuscinosis, neuronal, 4 (Kufs type). Last evaluated: 2018-01-12. Review status: criteria provided, single submitter. Criteria: ICSL Variant Classification Criteria 13 December 2019. Collection method: clinical testing. Allele origin: germline.
Comment: This variant was observed in the ICSL laboratory as part of a predisposition screen in an ostensibly healthy population. It had not been previously curated by ICSL or reported in the Human Gene Mutation Database (HGMD: prior to June 1st, 2018), and was therefore a candidate for classification through an automated scoring system. Utilizing variant allele frequency, disease prevalence and penetrance estimates, and inheritance mode, an automated score was calculated to assess if this variant is too frequent to cause the disease. Based on the score and internal cut-off values, a variant classified as benign is not then subjected to further curation. The score for this variant resulted in a classification of benign for this disease.

Breakthrough Genomics
Classification: Likely benign. Review status: criteria provided, single submitter. Criteria: ACMG Guidelines, 2015. Collection method: not provided. Allele origin: germline. Inheritance: Autosomal dominant inheritance. Affected: yes.